The following is an entry in ClinVar:

NM_001031745.5(RIBC1):c.323G>A (p.Gly108Glu)

Gene: RIBC1 (RIB43A domain with coiled-coils 1; plus strand). Cytogenetic location: Xp11.22.
Variant type: single nucleotide variant.
Coding change: c.323G>A on transcript NM_001031745.5 (MANE Select); coding-DNA position 323, G replaced by A.
Protein change: p.Gly108Glu; replaces glycine 108 with glutamic acid.
Molecular consequence: missense variant. On other transcripts: intron variant (1).
Genome position (GRCh38, 1-based): chrX:53,428,406, G>A. VCF-style: chrX-53428406-G-A. GRCh37 (hg19) VCF-style: chrX-53455354-G-A.
Other names: c.323G>A, p.Gly108Glu (NM_144968.4); c.199+322G>A (NM_001267053.4); short protein forms G108E.
Identifiers: ClinVar variation 4863309 (VCV004863309.1).

ClinVar aggregate classification (germline): Uncertain significance (1 of 4 stars; one submission).

gnomAD v4.1: 45 of 1,209,537 alleles (0.0037%); highest among the groups gnomAD compares: African/African-American, 0.007%; no homozygotes.

Submission:

Ambry Genetics
Classification: Uncertain significance. Last evaluated: 2026-06-03. Review status: criteria provided, single submitter. Criteria: Ambry Variant Classification Scheme 2023. Collection method: clinical testing. Allele origin: germline.
Comment: The c.323G>A (p.G108E) alteration is located in exon 5 (coding exon 3) of the RIBC1 gene. This alteration results from a G to A substitution at nucleotide position 323, causing the glycine (G) at amino acid position 108 to be replaced by a glutamic acid (E). Based on data from gnomAD, the A allele has an overall frequency of 0.002% (5/204532) total alleles studied. The highest observed frequency was 0.005% (5/92332) of European (non-Finnish) alleles. Based on insufficient or conflicting evidence, the clinical significance of this alteration remains unclear.